The following is an entry in ClinVar:

ClinVar aggregate classification (germline): Uncertain significance. Review status: criteria provided, multiple submitters, no conflicts (2 of 4 stars). 2 submissions from 2 submitters: Uncertain significance (2). Last evaluated 2025-11-27.

Allele frequency attached by ClinVar (database versions not stated): ExAC 0.00004; ESP Exome Variant Server 0.00016.

Submissions (2):

Labcorp Genetics (formerly Invitae), Labcorp
Classification: Uncertain significance. Last evaluated: 2025-11-27. Review status: criteria provided, single submitter. Criteria: Invitae Variant Classification Sherloc (09022015). Collection method: clinical testing. Allele origin: germline.
Comment: This sequence change replaces valine, which is neutral and non-polar, with methionine, which is neutral and non-polar, at codon 33 of the ICOSLG protein (p.Val33Met). This variant is present in population databases (rs371610323, gnomAD 0.01%). This variant has not been reported in the literature in individuals affected with ICOSLG-related conditions. ClinVar contains an entry for this variant (Variation ID: 2154756). An algorithm developed to predict the effect of missense changes on protein structure and function (PolyPhen-2) suggests that this variant is likely to be disruptive. In summary, the available evidence is currently insufficient to determine the role of this variant in disease. Therefore, it has been classified as a Variant of Uncertain Significance.

Ambry Genetics
Classification: Uncertain significance. Last evaluated: 2025-03-16. Review status: criteria provided, single submitter. Criteria: Ambry Variant Classification Scheme 2023. Collection method: clinical testing. Allele origin: germline.

NM_015259.6(ICOSLG):c.97G>A (p.Val33Met)

Gene: ICOSLG (inducible T cell costimulator ligand; minus strand). Cytogenetic location: 21q22.3.
Variant type: single nucleotide variant.
Coding change: c.97G>A on transcript NM_015259.6 (MANE Select); coding-DNA position 97, G replaced by A.
Protein change: p.Val33Met; replaces valine 33 with methionine.
Molecular consequence: missense variant. On other transcripts: intron variant (2).
Genome position (GRCh38, 1-based): chr21:44,237,176, C>T on the plus strand (G>A on the coding strand, the complement: ICOSLG is on the minus strand). VCF-style: chr21-44237176-C-T. GRCh37 (hg19) VCF-style: chr21-45657059-C-T.
Other names: c.97G>A, p.Val33Met (NM_001283050.2, NM_001395918.1); c.16G>A, p.Val6Met (NM_001365759.2); c.55+1272G>A (NM_001283051.2); c.-48-111G>A (NM_001283052.2); c.97G>A (NM_015259.4); short protein forms V33M, V6M.
Identifiers: ClinVar variation 2154756 (VCV002154756.5), dbSNP rs371610323, ClinGen allele CA321498400.